The following is an entry in ClinVar:

NM_000135.4(FANCA):c.3755A>C (p.Glu1252Ala)

Gene: FANCA (FA complementation group A; minus strand). Cytogenetic location: 16q24.3.
Variant type: single nucleotide variant.
Coding change: c.3755A>C on transcript NM_000135.4 (MANE Select); coding-DNA position 3755, A replaced by C.
Protein change: p.Glu1252Ala; replaces glutamic acid 1252 with alanine.
Molecular consequence: missense variant.
Genome position (GRCh38, 1-based): chr16:89,742,810, T>G on the plus strand (A>C on the coding strand, the complement: FANCA is on the minus strand). VCF-style: chr16-89742810-T-G. GRCh37 (hg19) VCF-style: chr16-89809218-T-G.
Other names: c.3755A>C, p.Glu1252Ala (NM_001286167.3); short protein forms E1252A.
Identifiers: ClinVar variation 4532876 (VCV004532876.2).

ClinVar aggregate classification (germline): Uncertain significance. Review status: criteria provided, multiple submitters, no conflicts (2 of 4 stars). 2 submissions from 2 submitters: Uncertain significance (2). Last evaluated 2026-06-24.

Conditions:
Inborn genetic diseases. Identifiers: MedGen C0950123, MeSH D030342.

Submissions (2):

Ambry Genetics
Classification: Uncertain significance for Inborn genetic diseases. Last evaluated: 2026-06-24. Review status: criteria provided, single submitter. Criteria: Ambry Variant Classification Scheme 2023. Collection method: clinical testing. Allele origin: germline.
Comment: The p.E1252A variant (also known as c.3755A>C), located in coding exon 37 of the FANCA gene, results from an A to C substitution at nucleotide position 3755. The glutamic acid at codon 1252 is replaced by alanine, an amino acid with dissimilar properties. This amino acid position is conserved. In addition, this alteration is predicted to be tolerated by in silico analysis. Based on the available evidence, the clinical significance of this variant remains unclear.

Quest Diagnostics Nichols Institute San Juan Capistrano
Classification: Uncertain significance. Last evaluated: 2025-05-15. Review status: criteria provided, single submitter. Criteria: Quest Diagnostics criteria. Collection method: clinical testing. Allele origin: unknown.
Comment: The FANCA c.3755A>C (p.Glu1252Ala) variant has not been reported in individuals with FANCA-related conditions in the published literature. It also has not been reported in large, multi-ethnic general populations (Genome Aggregation Database). Analysis of this variant using bioinformatics tools for the prediction of the effect of amino acid changes on protein structure and function yielded predictions that this variant is benign. Based on the available information, we are unable to determine the clinical significance of this variant.